The following is an entry in ClinVar:

ClinVar aggregate classification (germline): Uncertain significance (1 of 4 stars; one submission).

Submission:

GeneDx
Classification: Uncertain significance. Last evaluated: 2017-04-27. Review status: criteria provided, single submitter. Criteria: GeneDx Variant Classification (06012015). Collection method: clinical testing. Allele origin: germline. Affected: yes.
Comment: The c.509_510delTG variant in the SEPT9 gene has not been reported previously as a pathogenic variant nor as a benign variant, to our knowledge. The c.509_510delTG variant causes a frameshift starting with codon Valine 170, changes this amino acid to a Glycine residue, and creates a premature Stop codon at position 9 of the new reading frame, denoted p.V170GfsX9. This variant is predicted to cause loss of normal protein function either through protein truncation or nonsense-mediated mRNA decay. The c.509_510delTG variant is not observed in large population cohorts (Lek et al., 2016; 1000 Genomes Consortium et al., 2015; Exome Variant Server). We interpret c.509_510delTG as a variant of uncertain significance

NM_001113491.2(SEPTIN9):c.563_564del (p.Val188fs)

Gene: SEPTIN9 (septin 9; plus strand). Cytogenetic location: 17q25.3.
Variant type: Deletion.
Coding change: c.563_564del on transcript NM_001113491.2 (MANE Select); coding-DNA positions 563 to 564, 2 bases deleted (TG; older notation c.563_564delTG).
Protein change: p.Val188fs; shifts the reading frame from valine 188.
Molecular consequence: frameshift variant.
Genome position (GRCh38, 1-based): chr17:77,402,545-77,402,546, TG deleted; deleting any 2 consecutive bases within chr17:77,402,544-77,402,546 gives the same sequence; the c. name uses the placement nearest the transcript's 3' end. VCF-style (leftmost placement, unchanged base first): chr17-77402543-GGT-G. GRCh37 (hg19) VCF-style: chr17-75398625-GGT-G.
Other names: c.509_510delTG (NM_006640.4); c.71_72del, p.Val24fs (NM_001113492.2, NM_001113494.1); c.542_543del, p.Val181fs (NM_001113493.2); c.506_507del, p.Val169fs (NM_001293695.2); c.509_510del, p.Val170fs (NM_006640.5); short protein forms V169fs, V170fs, V188fs, V181fs, V24fs.
Identifiers: ClinVar variation 432255 (VCV000432255.1), dbSNP rs1555659996, ClinGen allele CA645373138.